The following is an entry in ClinVar:

NC_012920.1(MT-CO1):m.6489C>A

Gene: MT-CO1 (mitochondrially encoded cytochrome c oxidase I; plus strand).
Variant type: single nucleotide variant.
Genome position: chrM-6489-C-A.
Other names: L196I.
Identifiers: ClinVar variation 9670 (VCV000009670.3), dbSNP rs28461189, ClinGen allele CA120614.

ClinVar aggregate classification (germline): Benign/Likely benign. Review status: criteria provided, multiple submitters, no conflicts (2 of 4 stars). 3 submissions from 3 submitters: Benign (1); Likely benign (1). 1 of the submissions does not count toward it. Last evaluated 2025-02-16.

Conditions:
Cytochrome c oxidase I deficiency. Identifiers: MedGen C4016602.
Leigh syndrome (NULS). Also called: Leigh Disease; LEIGH SYNDROME, NUCLEAR; Leigh Syndrome (mtDNA deletion); Leigh's necrotizing encephalopathy; Leigh's disease; Leigh's syndrome. Identifiers: Orphanet 506, MedGen C2931891, MONDO:0009723, OMIM 256000.

Submissions (3):

Laboratory of Genetics, Children's Clinical University Hospital Latvia
Classification: Likely benign. Last evaluated: 2025-02-16. Review status: criteria provided, single submitter. Criteria: ACMG Guidelines, 2015. Collection method: clinical testing. Allele origin: germline. Affected: yes.

Wong Mito Lab, Molecular and Human Genetics, Baylor College of Medicine
Classification: Benign for Leigh syndrome. Last evaluated: 2019-10-17. Review status: criteria provided, single submitter. Criteria: Modified ACMG Guidelines (Unpublished). Collection method: clinical testing. Allele origin: germline.
Comment: The NC_012920.1:m.6489C>A (YP_003024028.1:p.Leu196Ile) variant in MTCO1 gene is interpretated to be a Benign variant based on the modified ACMG guidelines (unpublished). This variant meets the following evidence codes: BS1, BS2

OMIM
Classification: Pathogenic for CYTOCHROME c OXIDASE I DEFICIENCY. Last evaluated: 2002-08-01. Review status: no assertion criteria provided. Collection method: literature only. Allele origin: germline. Not counted in ClinVar's aggregate classification.

Literature cited by the submitters: PubMed 12140182 (cited by OMIM).